The following is an entry in ClinVar:

NM_004186.5(SEMA3F):c.2158G>A (p.Ala720Thr)

Gene: SEMA3F (semaphorin 3F; plus strand). Cytogenetic location: 3p21.31.
Variant type: single nucleotide variant.
Coding change: c.2158G>A on transcript NM_004186.5 (MANE Select); coding-DNA position 2158, G replaced by A.
Protein change: p.Ala720Thr; replaces alanine 720 with threonine.
Molecular consequence: missense variant.
Genome position (GRCh38, 1-based): chr3:50,187,915, G>A. VCF-style: chr3-50187915-G-A. GRCh37 (hg19) VCF-style: chr3-50225348-G-A.
Other names: c.1861G>A, p.Ala621Thr (NM_001318798.2); c.2065G>A, p.Ala689Thr (NM_001318800.2); short protein forms A621T, A689T, A720T.
Identifiers: ClinVar variation 2634080 (VCV002634080.4), dbSNP rs779644860, ClinGen allele CA2412359.

ClinVar aggregate classification (germline): Uncertain significance (1 of 4 stars; one submission).

Conditions:
SEMA3F-related disorder. Also called: SEMA3F-related condition.

Allele frequency attached by ClinVar (database versions not stated): TOPMed 0.00011.
gnomAD v4.1: 54 of 1,607,226 alleles (0.0034%); highest among the groups gnomAD compares: East Asian, 0.036%; no homozygotes.

Submission:

PreventionGenetics, part of Exact Sciences
Classification: Uncertain significance for SEMA3F-related condition. Last evaluated: 2026-02-17. Review status: criteria provided, single submitter. Criteria: ACMG Guidelines, 2015. Collection method: clinical testing. Allele origin: germline.
Comment: The SEMA3F c.2158G>A variant is predicted to result in the amino acid substitution p.Ala720Thr. To our knowledge, this variant has not been reported in the literature. This variant is reported in 0.030% of alleles in individuals of African descent in gnomAD. At this time, the clinical significance of this variant is uncertain due to the absence of conclusive functional and genetic evidence.